The following is an entry in ClinVar:

ClinVar aggregate classification (germline): Uncertain significance (1 of 4 stars; one submission).

Conditions:
Hereditary breast ovarian cancer syndrome. Also called: Hereditary breast and ovarian cancer; BRCA1- and BRCA2-Associated Hereditary Breast and Ovarian Cancer; Hereditary breast and ovarian cancer syndrome; Breast and ovarian cancer; Hereditary breast and ovarian cancer syndrome (HBOC); Hereditary breast and/or ovarian cancer syndrome. Identifiers: Orphanet 145, MedGen C0677776, MeSH D061325, MONDO:0003582. Disease mechanism: loss of function.

Submission:

Labcorp Genetics (formerly Invitae), Labcorp
Classification: Uncertain significance for Hereditary breast ovarian cancer syndrome. Last evaluated: 2022-11-23. Review status: criteria provided, single submitter. Criteria: Invitae Variant Classification Sherloc (09022015). Collection method: clinical testing. Allele origin: germline.
Comment: This sequence change replaces serine, which is neutral and polar, with phenylalanine, which is neutral and non-polar, at codon 1832 of the BRCA2 protein (p.Ser1832Phe). In summary, the available evidence is currently insufficient to determine the role of this variant in disease. Therefore, it has been classified as a Variant of Uncertain Significance. Advanced modeling of protein sequence and biophysical properties (such as structural, functional, and spatial information, amino acid conservation, physicochemical variation, residue mobility, and thermodynamic stability) performed at Invitae indicates that this missense variant is not expected to disrupt BRCA2 protein function. This variant has not been reported in the literature in individuals affected with BRCA2-related conditions. This variant is not present in population databases (gnomAD no frequency).

NM_000059.4(BRCA2):c.5495C>T (p.Ser1832Phe)

Gene: BRCA2 (BRCA2 DNA repair associated; plus strand). Cytogenetic location: 13q13.1.
Variant type: single nucleotide variant.
Coding change: c.5495C>T on transcript NM_000059.4 (MANE Select); coding-DNA position 5495, C replaced by T.
Protein change: p.Ser1832Phe; replaces serine 1832 with phenylalanine.
Molecular consequence: missense variant. On other transcripts: non-coding transcript variant (1), intron variant (2).
Genome position (GRCh38, 1-based): chr13:32,339,850, C>T. VCF-style: chr13-32339850-C-T. GRCh37 (hg19) VCF-style: chr13-32913987-C-T.
Other names: c.5495C>T, p.Ser1832Phe (NM_001406719.1, NM_001406720.1); c.1910-4708C>T (NM_001406721.1); c.425-4708C>T (NM_001406722.1); short protein forms S1832F.
Identifiers: ClinVar variation 2815807 (VCV002815807.3), dbSNP rs138489917, ClinGen allele CA387785775.
Genomic context (GRCh38, chr13:32,339,850, plus strand): 5'-AACTTGTGACTAGCTCTTCACCCTGCAAAAATAAAAATGCAGCCATTAAATTGTCCATAT[C>T]TAATAGTAATAATTTTGAGGTAGGGCCACCTGCATTTAGGATAGCCAGTGGTAAAATCGT-3'
Protein context (NP_000050.3, residues 1822-1842): NKNAAIKLSI[Ser1832Phe]NSNNFEVGPP